The following is an entry in ClinVar:

ClinVar aggregate classification (germline): Uncertain significance. Review status: criteria provided, multiple submitters, no conflicts (2 of 4 stars). 2 submissions from 2 submitters: Uncertain significance (2). Last evaluated 2022-04-13.

Conditions:
Inborn genetic diseases. Identifiers: MedGen C0950123, MeSH D030342.

Allele frequency attached by ClinVar (database versions not stated): gnomAD exomes below 0.00001.

Submissions (2):

Labcorp Genetics (formerly Invitae), Labcorp
Classification: Uncertain significance. Last evaluated: 2022-04-13. Review status: criteria provided, single submitter. Criteria: Invitae Variant Classification Sherloc (09022015). Collection method: clinical testing. Allele origin: germline.
Comment: In summary, the available evidence is currently insufficient to determine the role of this variant in disease. Therefore, it has been classified as a Variant of Uncertain Significance. This sequence change replaces arginine, which is basic and polar, with tryptophan, which is neutral and slightly polar, at codon 511 of the ERCC2 protein (p.Arg511Trp). This variant is not present in population databases (gnomAD no frequency). This variant has not been reported in the literature in individuals affected with ERCC2-related conditions. Algorithms developed to predict the effect of missense changes on protein structure and function are either unavailable or do not agree on the potential impact of this missense change (SIFT: "Deleterious"; PolyPhen-2: "Probably Damaging"; Align-GVGD: "Class C0").

Ambry Genetics
Classification: Uncertain significance for Inborn genetic diseases. Last evaluated: 2021-08-17. Review status: criteria provided, single submitter. Criteria: Ambry Variant Classification Scheme 2023. Collection method: clinical testing. Allele origin: germline.
Comment: The p.R511W variant (also known as c.1531C>T), located in coding exon 16 of the ERCC2 gene, results from a C to T substitution at nucleotide position 1531. The arginine at codon 511 is replaced by tryptophan, an amino acid with dissimilar properties. This amino acid position is conserved. In addition, this alteration is predicted to be deleterious by in silico analysis. Since supporting evidence is limited at this time, the clinical significance of this alteration remains unclear.

NM_000400.4(ERCC2):c.1531C>T (p.Arg511Trp)

Gene: ERCC2 (ERCC excision repair 2, TFIIH core complex helicase subunit; minus strand). Cytogenetic location: 19q13.32.
Variant type: single nucleotide variant.
Coding change: c.1531C>T on transcript NM_000400.4 (MANE Select); coding-DNA position 1531, C replaced by T.
Protein change: p.Arg511Trp; replaces arginine 511 with tryptophan.
Molecular consequence: missense variant.
Genome position (GRCh38, 1-based): chr19:45,355,677, G>A on the plus strand (C>T on the coding strand, the complement: ERCC2 is on the minus strand). VCF-style: chr19-45355677-G-A. GRCh37 (hg19) VCF-style: chr19-45858935-G-A.
Other names: short protein forms R511W.
Identifiers: ClinVar variation 1430560 (VCV001430560.9), dbSNP rs1971987929, ClinGen allele CA406365787.